The following is an entry in ClinVar:

ClinVar aggregate classification (germline): Uncertain significance. Review status: criteria provided, multiple submitters, no conflicts (2 of 4 stars). 2 submissions from 2 submitters: Uncertain significance (2). Last evaluated 2024-11-21.

Allele frequency attached by ClinVar (database versions not stated): gnomAD 0.00005; TOPMed 0.00005; ExAC 0.00006; ESP Exome Variant Server 0.00008; gnomAD exomes 0.00008.
gnomAD v4.1: 127 of 1,613,990 alleles (0.0079%); highest among the groups gnomAD compares: Non-Finnish European, 0.01%; no homozygotes.

Submissions (2):

Ambry Genetics
Classification: Uncertain significance. Last evaluated: 2024-11-21. Review status: criteria provided, single submitter. Criteria: Ambry Variant Classification Scheme 2023. Collection method: clinical testing. Allele origin: germline.
Comment: The p.L546W variant (also known as c.1637T>G), located in coding exon 8 of the ATRIP gene, results from a T to G substitution at nucleotide position 1637. The leucine at codon 546 is replaced by tryptophan, an amino acid with similar properties. This amino acid position is conserved. In addition, the in silico prediction for this alteration is inconclusive. Based on the available evidence, the clinical significance of this variant remains unclear.

Labcorp Genetics (formerly Invitae), Labcorp
Classification: Uncertain significance. Last evaluated: 2023-11-27. Review status: criteria provided, single submitter. Criteria: Invitae Variant Classification Sherloc (09022015). Collection method: clinical testing. Allele origin: germline.
Comment: This sequence change replaces leucine, which is neutral and non-polar, with tryptophan, which is neutral and slightly polar, at codon 546 of the ATRIP protein (p.Leu546Trp). This variant is present in population databases (rs370159384, gnomAD 0.009%). This variant has not been reported in the literature in individuals affected with ATRIP-related conditions. ClinVar contains an entry for this variant (Variation ID: 2160429). An algorithm developed to predict the effect of missense changes on protein structure and function (PolyPhen-2) suggests that this variant is likely to be disruptive. In summary, the available evidence is currently insufficient to determine the role of this variant in disease. Therefore, it has been classified as a Variant of Uncertain Significance.

NM_130384.3(ATRIP):c.1637T>G (p.Leu546Trp)

Genes: ATRIP (ATR interacting protein; plus strand), ATRIP-TREX1 (ATRIP-TREX1 readthrough; plus strand). Cytogenetic location: 3p21.31.
Variant type: single nucleotide variant.
Coding change: c.1637T>G on transcript NM_130384.3 (MANE Select); coding-DNA position 1637, T replaced by G.
Protein change: p.Leu546Trp; replaces leucine 546 with tryptophan.
Molecular consequence: missense variant. On other transcripts: non-coding transcript variant (1).
Genome position (GRCh38, 1-based): chr3:48,460,691, T>G. VCF-style: chr3-48460691-T-G. GRCh37 (hg19) VCF-style: chr3-48502090-T-G.
Other names: c.1256T>G, p.Leu419Trp (NM_001271022.2); c.1358T>G, p.Leu453Trp (NM_001271023.2); c.1637T>G, p.Leu546Trp (NM_032166.4); c.1637T>G (NM_130384.1); short protein forms L453W, L419W, L546W.
Identifiers: ClinVar variation 2160429 (VCV002160429.4), dbSNP rs370159384, ClinGen allele CA2376238.